The following is an entry in ClinVar:

ClinVar aggregate classification (germline): Uncertain significance. Review status: criteria provided, multiple submitters, no conflicts (2 of 4 stars). 2 submissions from 2 submitters: Uncertain significance (2). Last evaluated 2026-03-10.

Conditions:
Factor V deficiency. Also called: Reduced coagulation factor V activity. Identifiers: Orphanet 326, MedGen C4317320, MONDO:0020586, HP:0003225.

Submissions (2):

GeneDx
Classification: Uncertain significance. Last evaluated: 2026-03-10. Review status: criteria provided, single submitter. Criteria: GeneDx Variant Classification Process June 2021. Collection method: clinical testing. Allele origin: germline.
Comment: Identified in a cohort of patients with blood and bleeding disorders; individual clinical details were not provided (PMID: 34272389); Not observed at significant frequency in large population cohorts (gnomAD); In silico analysis supports that this missense variant has a deleterious effect on protein structure/function; This variant is associated with the following publications: (PMID: 34272389)

Genomic Medicine Center of Excellence, King Faisal Specialist Hospital and Research Centre
Classification: Uncertain significance for Congenital factor V deficiency. Last evaluated: 2021-04-28. Review status: criteria provided, single submitter. Criteria: ACMG Guidelines, 2015. Collection method: research. Allele origin: germline.

NM_000130.5(F5):c.5594T>G (p.Leu1865Arg)

Gene: F5 (coagulation factor V; minus strand). Cytogenetic location: 1q24.2.
Variant type: single nucleotide variant.
Coding change: c.5594T>G on transcript NM_000130.5 (MANE Select); coding-DNA position 5594, T replaced by G.
Protein change: p.Leu1865Arg; replaces leucine 1865 with arginine.
Molecular consequence: missense variant.
Genome position (GRCh38, 1-based): chr1:169,527,920, A>C on the plus strand (T>G on the coding strand, the complement: F5 is on the minus strand). VCF-style: chr1-169527920-A-C. GRCh37 (hg19) VCF-style: chr1-169497158-A-C.
Other names: short protein forms L1865R.
Identifiers: ClinVar variation 1098454 (VCV001098454.3), dbSNP rs1659497927, ClinGen allele CA343125803.